The following is an entry in ClinVar:

NM_004260.4(RECQL4):c.2126G>C (p.Arg709Pro)

Gene: RECQL4 (RecQ like helicase 4; minus strand). Cytogenetic location: 8q24.3.
Variant type: single nucleotide variant.
Coding change: c.2126G>C on transcript NM_004260.4 (MANE Select); coding-DNA position 2126, G replaced by C.
Protein change: p.Arg709Pro; replaces arginine 709 with proline.
Molecular consequence: missense variant. On other transcripts: non-coding transcript variant (2).
Genome position (GRCh38, 1-based): chr8:144,513,645, C>G on the plus strand (G>C on the coding strand, the complement: RECQL4 is on the minus strand). VCF-style: chr8-144513645-C-G. GRCh37 (hg19) VCF-style: chr8-145739029-C-G.
Other names: c.2030G>C, p.Arg677Pro (NM_001413017.1, NM_001413020.1); c.2126G>C, p.Arg709Pro (NM_001413018.1, NM_001413019.1, NM_001413036.1); c.1055G>C, p.Arg352Pro (NM_001413021.1, NM_001413022.1, NM_001413023.1 and 6 more transcripts); c.1997G>C, p.Arg666Pro (NM_001413025.1); c.989G>C, p.Arg330Pro (NM_001413027.1, NM_001413030.1, NM_001413041.1 and 1 more transcripts); c.1775G>C, p.Arg592Pro (NM_001413029.1); c.1025G>C, p.Arg342Pro (NM_001413042.1); c.659G>C, p.Arg220Pro (NM_001413043.1); and 4 more; short protein forms R220P, R352P, R699P, R308P, R666P, R709P, R286P, R592P.
Identifiers: ClinVar variation 4628971 (VCV004628971.1).

ClinVar aggregate classification (germline): Uncertain significance (1 of 4 stars; one submission).

Conditions:
Inborn genetic diseases. Identifiers: MedGen C0950123, MeSH D030342.

gnomAD v4.1: 1 of 1,582,660 alleles (0.000063%); highest among the groups gnomAD compares: Non-Finnish European, 0.000086%; no homozygotes.

Submission:

Ambry Genetics
Classification: Uncertain significance for Inborn genetic diseases. Last evaluated: 2025-11-12. Review status: criteria provided, single submitter. Criteria: Ambry Variant Classification Scheme 2023. Collection method: clinical testing. Allele origin: germline.
Comment: The p.R709P variant (also known as c.2126G>C), located in coding exon 13 of the RECQL4 gene, results from a G to C substitution at nucleotide position 2126. The arginine at codon 709 is replaced by proline, an amino acid with dissimilar properties. This amino acid position is conserved. In addition, this alteration is predicted to be deleterious by in silico analysis. Based on the available evidence, the clinical significance of this variant remains unclear.